The following is an entry in ClinVar:

NM_000868.4(HTR2C):c.1324G>C (p.Glu442Gln)

Genes: HTR2C (5-hydroxytryptamine receptor 2C; plus strand), LOC126863306 (MED14-independent group 3 enhancer GRCh37_chrX:114140926-114142125; plus strand). Cytogenetic location: Xq23.
Variant type: single nucleotide variant.
Coding change: c.1324G>C on transcript NM_000868.4 (MANE Select); coding-DNA position 1324, G replaced by C.
Protein change: p.Glu442Gln; replaces glutamic acid 442 with glutamine.
Molecular consequence: missense variant. On other transcripts: 3 prime UTR variant (1).
Genome position (GRCh38, 1-based): chrX:114,907,362, G>C. VCF-style: chrX-114907362-G-C. GRCh37 (hg19) VCF-style: chrX-114141925-G-C.
Other names: c.1324G>C, p.Glu442Gln (NM_001256760.3); c.*482G>C (NM_001256761.3); short protein forms E442Q.
Identifiers: ClinVar variation 4987991 (VCV004987991.1).

ClinVar aggregate classification (germline): Uncertain significance (1 of 4 stars; one submission).

Conditions:
HTR2C-related disorder. Also called: HTR2C-related condition.

Submission:

PreventionGenetics, part of Exact Sciences
Classification: Uncertain significance for HTR2C-related condition. Last evaluated: 2025-10-15. Review status: criteria provided, single submitter. Criteria: ACMG Guidelines, 2015. Collection method: clinical testing. Allele origin: germline.
Comment: The HTR2C c.1324G>C variant is predicted to result in the amino acid substitution p.Glu442Gln. To our knowledge, this variant has not been reported in the literature or in a large population database (gnomAD), indicating this variant is rare. At this time, the clinical significance of this variant is uncertain due to the absence of conclusive functional and genetic evidence.